The following is an entry in ClinVar:

NM_024301.5(FKRP):c.979C>G (p.Arg327Gly)

Gene: FKRP (fukutin related protein; plus strand). Cytogenetic location: 19q13.32.
Variant type: single nucleotide variant.
Coding change: c.979C>G on transcript NM_024301.5 (MANE Select); coding-DNA position 979, C replaced by G.
Protein change: p.Arg327Gly; replaces arginine 327 with glycine.
Molecular consequence: missense variant.
Genome position (GRCh38, 1-based): chr19:46,756,429, C>G. VCF-style: chr19-46756429-C-G. GRCh37 (hg19) VCF-style: chr19-47259686-C-G.
Other names: c.979C>G, p.Arg327Gly (NM_001039885.3); short protein forms R327G.
Identifiers: ClinVar variation 426180 (VCV000426180.5), dbSNP rs867877678, ClinGen allele CA406496400.

ClinVar aggregate classification (germline): Uncertain significance. Review status: criteria provided, multiple submitters, no conflicts (2 of 4 stars). 3 submissions from 3 submitters: Uncertain significance (2). 1 of the submissions does not count toward it. Last evaluated 2021-08-26.

Conditions:
Autosomal recessive limb-girdle muscular dystrophy type 2I. Also called: MUSCULAR DYSTROPHY-DYSTROGLYCANOPATHY (LIMB-GIRDLE), TYPE C, 5; MUSCULAR DYSTROPHY, LIMB-GIRDLE, TYPE 2I; MUSCULAR DYSTROPHY-DYSTROGLYCANOPATHY, LIMB-GIRDLE, FRKP-RELATED. Identifiers: Orphanet 34515, MedGen C1846672, MONDO:0011787, OMIM 607155.
Walker-Warburg congenital muscular dystrophy. Also called: Muscular dystrophy-dystroglycanopathy, type A; Walker-Warburg syndrome. Identifiers: Orphanet 899, MedGen C0265221, MONDO:0000171.

gnomAD v4.1: 4 of 1,583,126 alleles (0.00025%); highest among the groups gnomAD compares: Admixed American, 0.0018%; no homozygotes.

Submissions (3):

Labcorp Genetics (formerly Invitae), Labcorp
Classification: Uncertain significance for Walker-Warburg congenital muscular dystrophy. Last evaluated: 2021-08-26. Review status: criteria provided, single submitter. Criteria: Invitae Variant Classification Sherloc (09022015). Collection method: clinical testing. Allele origin: germline.
Comment: This sequence change replaces arginine with glycine at codon 327 of the FKRP protein (p.Arg327Gly). The arginine residue is moderately conserved and there is a moderate physicochemical difference between arginine and glycine. This variant is not present in population databases (ExAC no frequency). This variant has not been reported in the literature in individuals affected with FKRP-related conditions. ClinVar contains an entry for this variant (Variation ID: 426180). Algorithms developed to predict the effect of missense changes on protein structure and function (SIFT, PolyPhen-2, Align-GVGD) all suggest that this variant is likely to be tolerated. In summary, the available evidence is currently insufficient to determine the role of this variant in disease. Therefore, it has been classified as a Variant of Uncertain Significance.

GeneDx
Classification: Uncertain significance. Last evaluated: 2017-04-27. Review status: criteria provided, single submitter. Criteria: GeneDx Variant Classification (06012015). Collection method: clinical testing. Allele origin: germline. Affected: yes.
Comment: The R327G variant has not been published as pathogenic or been reported as benign to our knowledge. The R327G variant is not observed in large population cohorts (Lek et al., 2016; 1000 Genomes Consortium et al., 2015; Exome Variant Server). Though this substitution occurs at a position where amino acids with similar properties to arginine are tolerated across species, R327G variant is a non-conservative amino acid substitution, which is likely to impact secondary protein structure as these residues differ in polarity, charge, size and/or other properties. Nevertheless, in silico analysis is inconsistent in its predictions as to whether or not the variant is damaging to the protein structure/function.

Natera, Inc.
Classification: Uncertain significance for Limb-girdle muscular dystrophy type 2I. Last evaluated: 2020-03-03. Review status: no assertion criteria provided. Collection method: clinical testing. Allele origin: germline. Not counted in ClinVar's aggregate classification.